The following is an entry in ClinVar:

ClinVar aggregate classification (germline): Likely benign (1 of 4 stars; one submission).

Allele frequency attached by ClinVar (database versions not stated): ESP Exome Variant Server 0.00008; ExAC 0.00009; gnomAD exomes 0.00011; gnomAD 0.00023; TOPMed 0.00034; 1000 Genomes Project 0.00040; 1000 Genomes Project 30x 0.00047.
gnomAD v4.1: 197 of 1,612,818 alleles (0.012%); highest among the groups gnomAD compares: Admixed American, 0.057%; no homozygotes.

Submission:

CeGaT Center for Human Genetics Tuebingen
Classification: Likely benign. Last evaluated: 2023-11-01. Review status: criteria provided, single submitter. Criteria: CeGaT Center For Human Genetics Tuebingen Variant Classification Criteria Version 2. Collection method: clinical testing. Allele origin: germline. Affected: yes. Observed: 2 variant alleles.
Comment: LTBP1: BP4, BP7

NM_206943.4(LTBP1):c.3405C>T (p.Cys1135=)

Gene: LTBP1 (latent transforming growth factor beta binding protein 1; plus strand). Cytogenetic location: 2p22.3.
Variant type: single nucleotide variant.
Coding change: c.3405C>T on transcript NM_206943.4 (MANE Select); coding-DNA position 3405, C replaced by T.
Protein change: p.Cys1135=; no amino-acid change (cysteine 1135 retained).
Molecular consequence: synonymous variant.
Genome position (GRCh38, 1-based): chr2:33,301,568, C>T. VCF-style: chr2-33301568-C-T. GRCh37 (hg19) VCF-style: chr2-33526635-C-T.
Other names: c.2427C>T, p.Cys809= (NM_000627.4, NM_001166264.2, NM_001394912.1 and 1 more transcripts); c.2268C>T, p.Cys756= (NM_001166265.2, NM_001166266.2, NM_001394925.1); c.3246C>T, p.Cys1082= (NM_001394905.1); c.2424C>T, p.Cys808= (NM_001394906.1, NM_001394910.1, NM_001394919.1); c.2340C>T, p.Cys780= (NM_001394907.1); c.2307C>T, p.Cys769= (NM_001394908.1); c.2301C>T, p.Cys767= (NM_001394909.1, NM_001394917.1); c.2298C>T, p.Cys766= (NM_001394911.1); and 6 more.
Identifiers: ClinVar variation 2672807 (VCV002672807.23), dbSNP rs373138558, ClinGen allele CA1607765.